The following is an entry in ClinVar:

ClinVar aggregate classification (germline): Uncertain significance. Review status: criteria provided, multiple submitters, no conflicts (2 of 4 stars). 3 submissions from 3 submitters: Uncertain significance (3). Last evaluated 2026-04-26.

Conditions:
TTN-related disorder. Also called: TTN-related condition; TTN-related disease; TTN-related disorders.
Dilated cardiomyopathy 1G (CMD1G). Identifiers: Orphanet 154, MedGen C1858763, MONDO:0011400, OMIM 604145.
Autosomal recessive limb-girdle muscular dystrophy type 2J (LGMDR10). Also called: Limb-girdle muscular dystrophy, type 2J; MUSCULAR DYSTROPHY, LIMB-GIRDLE, AUTOSOMAL RECESSIVE 10. Identifiers: Orphanet 140922, MedGen C1837342, MONDO:0012127, OMIM 608807.

Allele frequency attached by ClinVar (database versions not stated): gnomAD exomes below 0.00001; TOPMed below 0.00001.
gnomAD v4.1: 1 of 1,613,544 alleles (0.000062%); highest among the groups gnomAD compares: Admixed American, 0.0017%; no homozygotes.

Submissions (3):

GeneDx
Classification: Uncertain significance. Last evaluated: 2026-04-26. Review status: criteria provided, single submitter. Criteria: GeneDx Variant Classification Process June 2021. Collection method: clinical testing. Allele origin: germline.
Comment: Not observed at significant frequency in large population cohorts (gnomAD); In silico analysis supports a deleterious effect on splicing; Has not been previously published as pathogenic or benign to our knowledge

Labcorp Genetics (formerly Invitae), Labcorp
Classification: Uncertain significance for Dilated cardiomyopathy 1G; Autosomal recessive limb-girdle muscular dystrophy type 2J. Last evaluated: 2025-12-08. Review status: criteria provided, single submitter. Criteria: Invitae Variant Classification Sherloc (09022015). Collection method: clinical testing. Allele origin: germline.
Comment: This sequence change replaces valine, which is neutral and non-polar, with phenylalanine, which is neutral and non-polar, at codon 13071 of the TTN protein (p.Val13071Phe). This variant also falls at the last nucleotide of exon 203, which is part of the consensus splice site for this exon. This variant is not present in population databases (gnomAD no frequency). This variant has not been reported in the literature in individuals affected with TTN-related conditions. ClinVar contains an entry for this variant (Variation ID: 970049). Experimental studies and prediction algorithms are not available or were not evaluated, and the functional significance of this variant is currently unknown. Variants that disrupt the consensus splice site are a relatively common cause of aberrant splicing (PMID: 17576681, 9536098). Algorithms developed to predict the effect of sequence changes on RNA splicing suggest that this variant may disrupt the consensus splice site. This variant is located in the I band of TTN (PMID: 25589632). Non-truncating variants in this region may be clinically relevant, but have not been definitively shown to cause cardiomyopathy or neuromuscular disease (PMID: 27493940, 32778822). In summary, the available evidence is currently insufficient to determine the role of this variant in disease. Therefore, it has been classified as a Variant of Uncertain Significance.

PreventionGenetics, part of Exact Sciences
Classification: Uncertain significance for TTN-related condition. Last evaluated: 2023-03-20. Review status: criteria provided, single submitter. Criteria: ACMG Guidelines, 2015. Collection method: clinical testing. Allele origin: germline.
Comment: The TTN c.39211G>T variant is predicted to result in the amino acid substitution p.Val13071Phe. This variant is located in the last nucleotide of an exon and is predicted to alter splicing based on available splicing prediction programs (Alamut Visual Plus v1.6.1). However, the use of computer prediction programs is not equivalent to functional evidence. To our knowledge, this variant has not been reported in the literature or in a large population database, indicating this variant is rare. At this time, the clinical significance of this variant is uncertain due to the absence of conclusive functional and genetic evidence.

Literature cited by the submitters: PubMed 17576681 (cited by Labcorp Genetics (formerly Invitae), Labcorp); PubMed 9536098 (cited by Labcorp Genetics (formerly Invitae), Labcorp); PubMed 25589632 (cited by Labcorp Genetics (formerly Invitae), Labcorp); PubMed 27493940 (cited by Labcorp Genetics (formerly Invitae), Labcorp); PubMed 32778822 (cited by Labcorp Genetics (formerly Invitae), Labcorp).

NM_001267550.2(TTN):c.39211G>T (p.Val13071Phe)

Gene: TTN (titin; minus strand). Cytogenetic location: 2q31.2.
Variant type: single nucleotide variant.
Coding change: c.39211G>T on transcript NM_001267550.2 (MANE Select); coding-DNA position 39211, G replaced by T.
Protein change: p.Val13071Phe; replaces valine 13071 with phenylalanine.
Molecular consequence: missense variant. On other transcripts: intron variant (3).
Genome position (GRCh38, 1-based): chr2:178,652,264, C>A on the plus strand (G>T on the coding strand, the complement: TTN is on the minus strand). VCF-style: chr2-178652264-C-A. GRCh37 (hg19) VCF-style: chr2-179516991-C-A.
Other names: c.34690G>T, p.Val11564Phe (NM_001256850.1); c.31909G>T, p.Val10637Phe (NM_133378.4); c.13283-9947G>T (NM_003319.4); c.13859-9947G>T (NM_133437.4); c.13658-9947G>T (NM_133432.3); c.39211G>T (NM_001267550.1); short protein forms V11564F, V10637F, V13071F.
Identifiers: ClinVar variation 970049 (VCV000970049.12), dbSNP rs1334646153, ClinGen allele CA349460370.
Genomic context (GRCh38, chr2:178,652,264, plus strand): 5'-TTGTTAGACAAAGTAAAGACAAACAAACAATATCAAACACAGCACCATGAGGGTGTCTAC[C>A]TTTTGTGGGTGGCACTTCAGGCTTTTTAGGAGGAGGCACTGGCACTTTCTTTTCAGGAAC-3'
Protein context (NP_001254479.2, residues 13061-13081): PKKPEVPPTK[Val13071Phe]PEVPKVAVPE